The following is an entry in ClinVar:

NM_002133.3(HMOX1):c.604G>T (p.Glu202Ter)

Gene: HMOX1 (heme oxygenase 1; plus strand). Cytogenetic location: 22q12.3.
Variant type: single nucleotide variant.
Coding change: c.604G>T on transcript NM_002133.3 (MANE Select); coding-DNA position 604, G replaced by T.
Protein change: p.Glu202Ter; replaces glutamic acid 202 with a stop codon.
Molecular consequence: nonsense.
Genome position (GRCh38, 1-based): chr22:35,387,144, G>T. VCF-style: chr22-35387144-G-T. GRCh37 (hg19) VCF-style: chr22-35783137-G-T.
Other names: short protein forms E202*.
Identifiers: ClinVar variation 2869294 (VCV002869294.3), dbSNP rs2517864569, ClinGen allele CA411353362.

ClinVar aggregate classification (germline): Pathogenic (1 of 4 stars; one submission).

Allele frequency attached by ClinVar (database versions not stated): gnomAD exomes below 0.00001.
gnomAD v4.1: 1 of 1,613,596 alleles (0.000062%); highest among the groups gnomAD compares: Non-Finnish European, 0.000085%; no homozygotes.

Submission:

Labcorp Genetics (formerly Invitae), Labcorp
Classification: Pathogenic. Last evaluated: 2023-01-04. Review status: criteria provided, single submitter. Criteria: Invitae Variant Classification Sherloc (09022015). Collection method: clinical testing. Allele origin: germline.
Comment: For these reasons, this variant has been classified as Pathogenic. This variant has not been reported in the literature in individuals affected with HMOX1-related conditions. This variant is not present in population databases (gnomAD no frequency). This sequence change creates a premature translational stop signal (p.Glu202*) in the HMOX1 gene. It is expected to result in an absent or disrupted protein product. Loss-of-function variants in HMOX1 are known to be pathogenic (PMID: 9884342, 21088618).

Literature cited by the submitters: PubMed 9884342; PubMed 21088618.